The following is an entry in ClinVar:

ClinVar aggregate classification (germline): Conflicting classifications of pathogenicity. Review status: criteria provided, conflicting classifications (1 of 4 stars). 4 submissions from 4 submitters: Uncertain significance (3); Likely benign (1). Last evaluated 2025-08-06.

Conditions:
Inborn genetic diseases. Identifiers: MedGen C0950123, MeSH D030342.
PRDM13-related disorder. Also called: PRDM13-related condition.

Allele frequency attached by ClinVar (database versions not stated): gnomAD 0.00001; TOPMed 0.00001.
gnomAD v4.1: 15 of 1,551,166 alleles (0.00097%); highest among the groups gnomAD compares: Non-Finnish European, 0.0013%; no homozygotes.

Submissions (4):

PreventionGenetics, part of Exact Sciences
Classification: Uncertain significance for PRDM13-related condition. Last evaluated: 2025-08-06. Review status: criteria provided, single submitter. Criteria: ACMG Guidelines, 2015. Collection method: clinical testing. Allele origin: germline.
Comment: The PRDM13 c.701C>T variant is predicted to result in the amino acid substitution p.Ala234Val. To our knowledge, this variant has not been reported in the literature. This variant is present in 0.0018% of alleles in individuals of European (Non-Finnish) descent in gnomAD. At this time, the clinical significance of this variant is uncertain due to the absence of conclusive functional and genetic evidence.

Ambry Genetics
Classification: Uncertain significance for Inborn genetic diseases. Last evaluated: 2025-08-04. Review status: criteria provided, single submitter. Criteria: Ambry Variant Classification Scheme 2023. Collection method: clinical testing. Allele origin: germline.

Labcorp Genetics (formerly Invitae), Labcorp
Classification: Uncertain significance. Last evaluated: 2025-05-12. Review status: criteria provided, single submitter. Criteria: Invitae Variant Classification Sherloc (09022015). Collection method: clinical testing. Allele origin: germline.
Comment: This sequence change replaces alanine, which is neutral and non-polar, with valine, which is neutral and non-polar, at codon 234 of the PRDM13 protein (p.Ala234Val). The frequency data for this variant in the population databases is considered unreliable, as metrics indicate poor data quality at this position in the gnomAD database. This variant has not been reported in the literature in individuals affected with PRDM13-related conditions. ClinVar contains an entry for this variant (Variation ID: 1495863). An algorithm developed to predict the effect of missense changes on protein structure and function outputs the following: PolyPhen-2: "Benign". The valine amino acid residue is found in multiple mammalian species, which suggests that this missense change does not adversely affect protein function. In summary, the available evidence is currently insufficient to determine the role of this variant in disease. Therefore, it has been classified as a Variant of Uncertain Significance.

Blueprint Genetics
Classification: Likely benign. Last evaluated: 2024-09-20. Review status: criteria provided, single submitter. Criteria: ACMG Guidelines, 2015. Collection method: clinical testing. Allele origin: germline.

NM_021620.4(PRDM13):c.701C>T (p.Ala234Val)

Gene: PRDM13 (PR/SET domain 13; plus strand). Cytogenetic location: 6q16.2.
Variant type: single nucleotide variant.
Coding change: c.701C>T on transcript NM_021620.4 (MANE Select); coding-DNA position 701, C replaced by T.
Protein change: p.Ala234Val; replaces alanine 234 with valine.
Molecular consequence: missense variant.
Genome position (GRCh38, 1-based): chr6:99,613,336, C>T. VCF-style: chr6-99613336-C-T. GRCh37 (hg19) VCF-style: chr6-100061212-C-T.
Other names: c.701C>T (NM_021620.3); short protein forms A234V.
Identifiers: ClinVar variation 1495863 (VCV001495863.11), dbSNP rs778602675, ClinGen allele CA365115982.